The following is an entry in ClinVar:

ClinVar aggregate classification (germline): Benign/Likely benign. Review status: criteria provided, multiple submitters, no conflicts (2 of 4 stars). 10 submissions from 10 submitters: Benign (6); Likely benign (4). Last evaluated 2026-08-01.

Conditions:
Hereditary cancer-predisposing syndrome. Also called: Hereditary Cancer Syndrome; Tumor predisposition; Hereditary neoplastic syndrome; Neoplastic Syndromes, Hereditary. Identifiers: Orphanet 140162, MedGen C0027672, MeSH D009386, MONDO:0015356.
Coffin-Siris syndrome. Identifiers: Orphanet 1465, MedGen C0265338, MONDO:0015452.
Intellectual disability, autosomal dominant 16 (CSS4). Also called: COFFIN-SIRIS SYNDROME 4. Identifiers: Orphanet 1465, MedGen C3553249, MONDO:0013821, OMIM 614609.
Rhabdoid tumor predisposition syndrome 2 (RTPS2). Identifiers: Orphanet 231108, Orphanet 69077, MedGen C2750074, MONDO:0013224, OMIM 613325.

Allele frequency attached by ClinVar (database versions not stated): ExAC 0.00089; TOPMed 0.00305; gnomAD 0.00277 and 0.00291; 1000 Genomes Project 30x 0.00500; gnomAD exomes 0.00025 and 0.00073; 1000 Genomes Project 0.00399; ESP Exome Variant Server 0.00284.
gnomAD v4.1: 786 of 1,614,242 alleles (0.049%); highest among the groups gnomAD compares: African/African-American, 0.99%; 3 homozygotes.

Submissions (10):

CeGaT Center for Human Genetics Tuebingen
Classification: Likely benign. Last evaluated: 2026-08-01. Review status: criteria provided, single submitter. Criteria: CeGaT Center For Human Genetics Tuebingen Variant Classification Criteria Version 2. Collection method: clinical testing. Allele origin: germline. Affected: yes. Observed: 3 variant alleles.
Comment: SMARCA4: BP4, BP7, BS1

Myriad Genetics, Inc.
Classification: Benign for Rhabdoid tumor predisposition syndrome 2. Last evaluated: 2026-07-10. Review status: criteria provided, single submitter. Criteria: Myriad Autosomal Dominant, Autosomal Recessive and X-Linked Classification Criteria (2023). Collection method: clinical testing. Allele origin: unknown.
Comment: This variant is considered benign. This variant is a silent/synonymous amino acid change and it is not expected to impact splicing.

Labcorp Genetics (formerly Invitae), Labcorp
Classification: Benign for Rhabdoid tumor predisposition syndrome 2. Last evaluated: 2026-02-03. Review status: criteria provided, single submitter. Criteria: Invitae Variant Classification Sherloc (09022015). Collection method: clinical testing. Allele origin: germline.

Quest Diagnostics Nichols Institute San Juan Capistrano
Classification: Benign. Last evaluated: 2025-05-31. Review status: criteria provided, single submitter. Criteria: Quest Diagnostics criteria. Collection method: clinical testing. Allele origin: unknown.

Blueprint Genetics
Classification: Likely benign. Last evaluated: 2024-10-22. Review status: criteria provided, single submitter. Criteria: ACMG Guidelines, 2015. Collection method: clinical testing. Allele origin: germline.

Genome-Nilou Lab
Classification: Benign for Intellectual disability, autosomal dominant 16. Last evaluated: 2021-07-15. Review status: criteria provided, single submitter. Criteria: ACMG Guidelines, 2015. Collection method: clinical testing. Allele origin: germline. Affected: no.

Illumina Laboratory Services, Illumina
Classification: Benign for Coffin-Siris syndrome. Last evaluated: 2018-01-12. Review status: criteria provided, single submitter. Criteria: ICSL Variant Classification Criteria 13 December 2019. Collection method: clinical testing. Allele origin: germline.
Comment: This variant was observed in the ICSL laboratory as part of a predisposition screen in an ostensibly healthy population. It had not been previously curated by ICSL or reported in the Human Gene Mutation Database (HGMD: prior to June 1st, 2018), and was therefore a candidate for classification through an automated scoring system. Utilizing variant allele frequency, disease prevalence and penetrance estimates, and inheritance mode, an automated score was calculated to assess if this variant is too frequent to cause the disease. Based on the score and internal cut-off values, a variant classified as benign is not then subjected to further curation. The score for this variant resulted in a classification of benign for this disease.

GeneDx
Classification: Likely benign. Last evaluated: 2017-09-15. Review status: criteria provided, single submitter. Criteria: GeneDx Variant Classification (06012015). Collection method: clinical testing. Allele origin: germline. Affected: yes.
Comment: This variant is considered likely benign or benign based on one or more of the following criteria: it is a conservative change, it occurs at a poorly conserved position in the protein, it is predicted to be benign by multiple in silico algorithms, and/or has population frequency not consistent with disease.

Ambry Genetics
Classification: Benign for Hereditary cancer-predisposing syndrome. Last evaluated: 2015-05-20. Review status: criteria provided, single submitter. Criteria: Ambry Variant Classification Scheme 2023. Collection method: clinical testing. Allele origin: germline.

Breakthrough Genomics
Classification: Likely benign. Review status: criteria provided, single submitter. Criteria: ACMG Guidelines, 2015. Collection method: not provided. Allele origin: germline. Inheritance: Autosomal dominant inheritance. Affected: yes.

NM_003072.5(SMARCA4):c.1740A>G (p.Lys580=)

Gene: SMARCA4 (SWI/SNF related BAF chromatin remodeling complex subunit ATPase 4; plus strand). Cytogenetic location: 19p13.2.
Variant type: single nucleotide variant.
Coding change: c.1740A>G on transcript NM_003072.5 (MANE Select); coding-DNA position 1740, A replaced by G.
Protein change: p.Lys580=; no amino-acid change (lysine 580 retained).
Molecular consequence: synonymous variant. On other transcripts: non-coding transcript variant (1).
Genome position (GRCh38, 1-based): chr19:10,996,359, A>G. VCF-style: chr19-10996359-A-G. GRCh37 (hg19) VCF-style: chr19-11107035-A-G.
Other names: c.1740A>G, p.Lys580= (NM_001128844.3, NM_001128845.2, NM_001128846.2 and 5 more transcripts).
Identifiers: ClinVar variation 238382 (VCV000238382.49), dbSNP rs114391904, ClinGen allele CA9203858.